The following is an entry in ClinVar:

NM_016032.4(ZDHHC9):c.1001C>T (p.Ser334Leu)

Gene: ZDHHC9 (zDHHC palmitoyltransferase 9; minus strand). Cytogenetic location: Xq26.1.
Variant type: single nucleotide variant.
Coding change: c.1001C>T on transcript NM_016032.4 (MANE Select); coding-DNA position 1001, C replaced by T.
Protein change: p.Ser334Leu; replaces serine 334 with leucine.
Molecular consequence: missense variant.
Genome position (GRCh38, 1-based): chrX:129,806,464, G>A on the plus strand (C>T on the coding strand, the complement: ZDHHC9 is on the minus strand). VCF-style: chrX-129806464-G-A. GRCh37 (hg19) VCF-style: chrX-128940440-G-A.
Other names: c.1001C>T, p.Ser334Leu (NM_001008222.3); short protein forms S334L.
Identifiers: ClinVar variation 577658 (VCV000577658.9), dbSNP rs748573163, ClinGen allele CA10513410.
Genomic context (GRCh38, chrX:129,806,464, plus strand): 5'-TCTGGGGGCTCTGGAGGTGGCATCTCTTCGGGAGTGCTGCTGTCCTCCGGCATCTCATTT[G>A]AGTTCAGGTGTTCTGTGGGGGCCTGAGAAGGAAAAGATATGAGATTCAACACAAAGCTGT-3'
Protein context (NP_057116.2, residues 324-344): QSPAPTEHLN[Ser334Leu]NEMPEDSSTP

ClinVar aggregate classification (germline): Uncertain significance. Review status: criteria provided, multiple submitters, no conflicts (2 of 4 stars). 2 submissions from 2 submitters: Uncertain significance (2). Last evaluated 2024-08-31.

Conditions:
Intellectual developmental disorder, X-linked, syndromic, Raymond type. Also called: Syndromic X-linked intellectual disability Raymond type. Identifiers: MedGen C3275406, MONDO:0010427, OMIM 300799.

Allele frequency attached by ClinVar (database versions not stated): gnomAD exomes 0.00001; ExAC 0.00001; gnomAD 0.00002; TOPMed 0.00001.
gnomAD v4.1: 2 of 1,209,326 alleles (0.00017%); highest among the groups gnomAD compares: African/African-American, 0.0035%; no homozygotes.

Submissions (2):

Labcorp Genetics (formerly Invitae), Labcorp
Classification: Uncertain significance for Intellectual developmental disorder, X-linked, syndromic, Raymond type. Last evaluated: 2024-08-31. Review status: criteria provided, single submitter. Criteria: Invitae Variant Classification Sherloc (09022015). Collection method: clinical testing. Allele origin: germline.
Comment: This sequence change replaces serine, which is neutral and polar, with leucine, which is neutral and non-polar, at codon 334 of the ZDHHC9 protein (p.Ser334Leu). This variant is present in population databases (rs748573163, gnomAD 0.008%). This variant has not been reported in the literature in individuals affected with ZDHHC9-related conditions. ClinVar contains an entry for this variant (Variation ID: 577658). An algorithm developed to predict the effect of missense changes on protein structure and function (PolyPhen-2) suggests that this variant is likely to be tolerated. In summary, the available evidence is currently insufficient to determine the role of this variant in disease. Therefore, it has been classified as a Variant of Uncertain Significance.

Fulgent Genetics
Classification: Uncertain significance for Intellectual developmental disorder, X-linked, syndromic, Raymond type. Last evaluated: 2018-10-31. Review status: criteria provided, single submitter. Criteria: ACMG Guidelines, 2015. Collection method: clinical testing. Allele origin: unknown.